The following is an entry in ClinVar:

ClinVar aggregate classification (germline): Uncertain significance. Review status: criteria provided, multiple submitters, no conflicts (2 of 4 stars). 3 submissions from 3 submitters: Uncertain significance (3). Last evaluated 2024-08-30.

Conditions:
Emery-Dreifuss muscular dystrophy 4, autosomal dominant (EDMD4). Also called: EMERY-DREIFUSS MUSCULAR DYSTROPHY 4 WITH VARIABLE FEATURES. Identifiers: Orphanet 261, MedGen C2751807, MONDO:0013071, OMIM 612998.
Autosomal recessive ataxia, Beauce type. Also called: SYNE1-Related Autosomal Recessive Cerebellar Ataxia; SYNE1 Deficiency; Spinocerebellar ataxia, autosomal recessive 8; ATAXIA, RECESSIVE, OF BEAUCE. Identifiers: Orphanet 88644, MedGen C1853116, MONDO:0012549, OMIM 610743.

Allele frequency attached by ClinVar (database versions not stated): gnomAD 0.00001; gnomAD exomes 0.00001 and 0.00003; TOPMed 0.00003; ExAC 0.00004.
gnomAD v4.1: 10 of 1,614,052 alleles (0.00062%); highest among the groups gnomAD compares: Middle Eastern, 0.033%; no homozygotes.

Submissions (3):

Blueprint Genetics
Classification: Uncertain significance. Last evaluated: 2024-08-30. Review status: criteria provided, single submitter. Criteria: ACMG Guidelines, 2015. Collection method: clinical testing. Allele origin: germline.

Labcorp Genetics (formerly Invitae), Labcorp
Classification: Uncertain significance for Emery-Dreifuss muscular dystrophy 4, autosomal dominant; Autosomal recessive ataxia, Beauce type. Last evaluated: 2022-11-01. Review status: criteria provided, single submitter. Criteria: Invitae Variant Classification Sherloc (09022015). Collection method: clinical testing. Allele origin: germline.
Comment: This variant is present in population databases (rs770774159, gnomAD 0.04%). This sequence change replaces serine, which is neutral and polar, with phenylalanine, which is neutral and non-polar, at codon 3293 of the SYNE1 protein (p.Ser3293Phe). This variant has not been reported in the literature in individuals affected with SYNE1-related conditions. ClinVar contains an entry for this variant (Variation ID: 448618). Algorithms developed to predict the effect of missense changes on protein structure and function (SIFT, PolyPhen-2, Align-GVGD) all suggest that this variant is likely to be disruptive. In summary, the available evidence is currently insufficient to determine the role of this variant in disease. Therefore, it has been classified as a Variant of Uncertain Significance.

Athena Diagnostics
Classification: Uncertain significance. Last evaluated: 2017-07-17. Review status: criteria provided, single submitter. Criteria: Athena Diagnostics Criteria. Collection method: clinical testing. Allele origin: germline.

NM_182961.4(SYNE1):c.9857C>T (p.Ser3286Phe)

Gene: SYNE1 (spectrin repeat containing nuclear envelope protein 1; minus strand). Cytogenetic location: 6q25.2.
Variant type: single nucleotide variant.
Coding change: c.9857C>T on transcript NM_182961.4 (MANE Select); coding-DNA position 9857, C replaced by T.
Protein change: p.Ser3286Phe; replaces serine 3286 with phenylalanine.
Molecular consequence: missense variant.
Genome position (GRCh38, 1-based): chr6:152,367,333, G>A on the plus strand (C>T on the coding strand, the complement: SYNE1 is on the minus strand). VCF-style: chr6-152367333-G-A. GRCh37 (hg19) VCF-style: chr6-152688468-G-A.
Other names: c.9878C>T, p.Ser3293Phe (NM_033071.5); short protein forms S3286F, S3293F.
Identifiers: ClinVar variation 448618 (VCV000448618.5), dbSNP rs770774159, ClinGen allele CA4057168.